The following is an entry in ClinVar:

ClinVar aggregate classification (germline): Uncertain significance (1 of 4 stars; one submission).

Allele frequency attached by ClinVar (database versions not stated): ESP Exome Variant Server 0.00008.
gnomAD v4.1: 54 of 1,581,984 alleles (0.0034%); highest among the groups gnomAD compares: African/African-American, 0.043%; no homozygotes.

Submissions (2):

Labcorp Genetics (formerly Invitae), Labcorp
Classification: Uncertain significance. Last evaluated: 2025-05-20. Review status: criteria provided, single submitter. Criteria: Invitae Variant Classification Sherloc (09022015). Collection method: clinical testing. Allele origin: germline.
Comment: This sequence change falls in intron 5 of the TOP1MT gene. It does not directly change the encoded amino acid sequence of the TOP1MT protein. It affects a nucleotide within the consensus splice site. This variant is present in population databases (rs143596489, gnomAD 0.05%). This variant has not been reported in the literature in individuals affected with TOP1MT-related conditions. ClinVar contains an entry for this variant (Variation ID: 2754050). Variants that disrupt the consensus splice site are a relatively common cause of aberrant splicing (PMID: 17576681, 9536098). Algorithms developed to predict the effect of sequence changes on RNA splicing suggest that this variant is not likely to affect RNA splicing. In summary, the available evidence is currently insufficient to determine the role of this variant in disease. Therefore, it has been classified as a Variant of Uncertain Significance.

Dr. Peter K. Rogan Lab, Western University
No classification provided (evidence only). Condition: Ovarian serous cystadenocarcinoma. Review status: no classification provided. Collection method: in vitro. Allele origin: not applicable. Functional consequence: retained intron. Not counted in ClinVar's aggregate classification.

Literature cited by the submitters: PubMed 17576681 (cited by Labcorp Genetics (formerly Invitae), Labcorp); PubMed 9536098 (cited by Labcorp Genetics (formerly Invitae), Labcorp).

NM_052963.3(TOP1MT):c.671+5G>T

Gene: TOP1MT (DNA topoisomerase I mitochondrial; minus strand). Cytogenetic location: 8q24.3.
Variant type: single nucleotide variant.
Coding change: c.671+5G>T on transcript NM_052963.3 (MANE Select); 5 bases into the intron after coding-DNA position 671, G replaced by T.
Molecular consequence: intron variant.
Genome position (GRCh38, 1-based): chr8:143,325,341, C>A on the plus strand (G>T on the coding strand, the complement: TOP1MT is on the minus strand). VCF-style: chr8-143325341-C-A. GRCh37 (hg19) VCF-style: chr8-144407511-C-A.
Other names: c.377+5G>T (NM_001258447.1, NM_001258446.1).
Identifiers: ClinVar variation 2754050 (VCV002754050.4), dbSNP rs143596489, ClinGen allele CA4908750.